The following is an entry in ClinVar:

NM_001283009.2(RTEL1):c.3372C>G (p.His1124Gln)

Genes: RTEL1 (regulator of telomere elongation helicase 1; plus strand), RTEL1-TNFRSF6B (RTEL1-TNFRSF6B readthrough (NMD candidate); plus strand). Cytogenetic location: 20q13.33.
Variant type: single nucleotide variant.
Coding change: c.3372C>G on transcript NM_001283009.2 (MANE Select); coding-DNA position 3372, C replaced by G.
Protein change: p.His1124Gln; replaces histidine 1124 with glutamine.
Molecular consequence: missense variant. On other transcripts: non-coding transcript variant (1).
Genome position (GRCh38, 1-based): chr20:63,695,094, C>G. VCF-style: chr20-63695094-C-G. GRCh37 (hg19) VCF-style: chr20-62326447-C-G.
Other names: c.2703C>G, p.His901Gln (NM_001283010.1); c.3372C>G, p.His1124Gln (NM_016434.4); c.3444C>G, p.His1148Gln (NM_032957.5); short protein forms H1124Q, H1148Q, H901Q.
Identifiers: ClinVar variation 3747889 (VCV003747889.3).
Genomic context (GRCh38, chr20:63,695,094, plus strand): 5'-GCTGTGCCGGGTCTGATTGAAGCTCCCCGCAGGGTTCAGCATGTTTGTGCGTCCACACCA[C>G]AAGCAGCGCTTCTCACAGACGTGCACAGACCTGACCGGCCGGCCCTACCCGGGCATGGAG-3'
Protein context (NP_001269938.1, residues 1114-1134): HRFSMFVRPH[His1124Gln]KQRFSQTCTD

ClinVar aggregate classification (germline): Uncertain significance. Review status: criteria provided, multiple submitters, no conflicts (2 of 4 stars). 2 submissions from 2 submitters: Uncertain significance (2). Last evaluated 2025-05-27.

Conditions:
Pulmonary fibrosis and/or bone marrow failure, Telomere-related, 3. Also called: PULMONARY FIBROSIS AND/OR BONE MARROW FAILURE SYNDROME, TELOMERE-RELATED, 3. Identifiers: Orphanet 2032, MedGen C4225346, MONDO:0014613, OMIM 616373.
Dyskeratosis congenita, autosomal recessive 5 (DKCB5). Identifiers: MedGen C3554656, MONDO:0014076, OMIM 615190.
Inborn genetic diseases. Identifiers: MedGen C0950123, MeSH D030342.

Submissions (2):

Ambry Genetics
Classification: Uncertain significance for Inborn genetic diseases. Last evaluated: 2025-05-27. Review status: criteria provided, single submitter. Criteria: Ambry Variant Classification Scheme 2023. Collection method: clinical testing. Allele origin: germline.
Comment: The p.H1124Q variant (also known as c.3372C>G), located in coding exon 32 of the RTEL1 gene, results from a C to G substitution at nucleotide position 3372. The histidine at codon 1124 is replaced by glutamine, an amino acid with highly similar properties. This amino acid position is conserved. In addition, the in silico prediction for this alteration is inconclusive. Based on the available evidence, the clinical significance of this variant remains unclear.

Labcorp Genetics (formerly Invitae), Labcorp
Classification: Uncertain significance for Dyskeratosis congenita, autosomal recessive 5; Pulmonary fibrosis and/or bone marrow failure, Telomere-related, 3. Last evaluated: 2024-02-25. Review status: criteria provided, single submitter. Criteria: Invitae Variant Classification Sherloc (09022015). Collection method: clinical testing. Allele origin: germline.
Comment: This sequence change replaces histidine, which is basic and polar, with glutamine, which is neutral and polar, at codon 1124 of the RTEL1 protein (p.His1124Gln). This variant is not present in population databases (gnomAD no frequency). This variant has not been reported in the literature in individuals affected with RTEL1-related conditions. An algorithm developed to predict the effect of missense changes on protein structure and function (PolyPhen-2) suggests that this variant is likely to be disruptive. Algorithms developed to predict the effect of sequence changes on RNA splicing suggest that this variant may create or strengthen a splice site. In summary, the available evidence is currently insufficient to determine the role of this variant in disease. Therefore, it has been classified as a Variant of Uncertain Significance.